The following is an entry in ClinVar:

NM_001256545.2(MEGF10):c.1639G>A (p.Ala547Thr)

Gene: MEGF10 (multiple EGF like domains 10; plus strand). Cytogenetic location: 5q23.2.
Variant type: single nucleotide variant.
Coding change: c.1639G>A on transcript NM_001256545.2 (MANE Select); coding-DNA position 1639, G replaced by A.
Protein change: p.Ala547Thr; replaces alanine 547 with threonine.
Molecular consequence: missense variant.
Genome position (GRCh38, 1-based): chr5:127,422,718, G>A. VCF-style: chr5-127422718-G-A. GRCh37 (hg19) VCF-style: chr5-126758410-G-A.
Other names: c.1639G>A, p.Ala547Thr (NM_001308119.2, NM_001308121.2, NM_032446.3); short protein forms A547T.
Identifiers: ClinVar variation 3896910 (VCV003896910.1).

ClinVar aggregate classification (germline): Uncertain significance (1 of 4 stars; one submission).

Conditions:
Congenital myopathy 10b, mild variant. Also called: Myopathy, areflexia, respiratory distress, and dysphagia, early-onset, mild variant. Identifiers: MedGen C3541476, MONDO:0859515, OMIM 620249.

Submission:

Kariminejad - Najmabadi Pathology & Genetics Center
Classification: Uncertain significance for Congenital myopathy 10b, mild variant. Last evaluated: 2024-06-01. Review status: criteria provided, single submitter. Criteria: ACMG Guidelines, 2015. Collection method: clinical testing. Allele origin: germline. Inheritance: Autosomal recessive inheritance. Affected: yes.
Comment: PM2